The following is an entry in ClinVar:

NM_005026.5(PIK3CD):c.854T>A (p.Met285Lys)

Gene: PIK3CD (phosphatidylinositol-4,5-bisphosphate 3-kinase catalytic subunit delta; plus strand). Cytogenetic location: 1p36.22.
Variant type: single nucleotide variant.
Coding change: c.854T>A on transcript NM_005026.5 (MANE Select); coding-DNA position 854, T replaced by A.
Protein change: p.Met285Lys; replaces methionine 285 with lysine.
Molecular consequence: missense variant. On other transcripts: intron variant (1).
Genome position (GRCh38, 1-based): chr1:9,717,032, T>A. VCF-style: chr1-9717032-T-A. GRCh37 (hg19) VCF-style: chr1-9777090-T-A.
Other names: c.854T>A, p.Met285Lys (NM_001350234.2); c.781-14T>A (NM_001350235.1); short protein forms M285K.
Identifiers: ClinVar variation 3713889 (VCV003713889.2).

ClinVar aggregate classification (germline): Uncertain significance (1 of 4 stars; one submission).

Conditions:
Immunodeficiency 14 (IMD14A). Also called: IMMUNODEFICIENCY 14A WITH LYMPHOPROLIFERATION, AUTOSOMAL DOMINANT; p110-DELTA-ACTIVATING MUTATION CAUSING SENESCENT T CELLS, LYMPHADENOPATHY, AND IMMUNODEFICIENCY; ACTIVATED PI3K-DELTA SYNDROME 1; Activated PI3K Delta Syndrome Type 1 (APDS1). Identifiers: Orphanet 397596, Orphanet 693661, MedGen C5907821, MONDO:0014222, OMIM 615513.

Submission:

Labcorp Genetics (formerly Invitae), Labcorp
Classification: Uncertain significance for Activated PI3K-delta syndrome. Last evaluated: 2024-09-23. Review status: criteria provided, single submitter. Criteria: Invitae Variant Classification Sherloc (09022015). Collection method: clinical testing. Allele origin: germline.
Comment: This sequence change replaces methionine, which is neutral and non-polar, with lysine, which is basic and polar, at codon 285 of the PIK3CD protein (p.Met285Lys). This variant is not present in population databases (gnomAD no frequency). This variant has not been reported in the literature in individuals affected with PIK3CD-related conditions. Invitae Evidence Modeling of protein sequence and biophysical properties (such as structural, functional, and spatial information, amino acid conservation, physicochemical variation, residue mobility, and thermodynamic stability) indicates that this missense variant is not expected to disrupt PIK3CD protein function with a negative predictive value of 80%. In summary, the available evidence is currently insufficient to determine the role of this variant in disease. Therefore, it has been classified as a Variant of Uncertain Significance.